The following is an entry in ClinVar:

NM_002755.4(MAP2K1):c.902G>A (p.Gly301Glu)

Gene: MAP2K1 (mitogen-activated protein kinase kinase 1; plus strand). Cytogenetic location: 15q22.31.
Variant type: single nucleotide variant.
Coding change: c.902G>A on transcript NM_002755.4 (MANE Select); coding-DNA position 902, G replaced by A.
Protein change: p.Gly301Glu; replaces glycine 301 with glutamic acid.
Molecular consequence: missense variant.
Genome position (GRCh38, 1-based): chr15:66,487,234, G>A. VCF-style: chr15-66487234-G-A. GRCh37 (hg19) VCF-style: chr15-66779572-G-A.
Other names: c.758G>A, p.Gly253Glu (NM_001411065.1); short protein forms G253E, G301E.
Identifiers: ClinVar variation 3626779 (VCV003626779.2).
Genomic context (GRCh38, chr15:66,487,234, plus strand): 5'-ATTAACAAGTAATCTGTTTCTGAGAAGTATTTTTTCTTTTTATAAAATTTGTAGCATACG[G>A]AATGGACAGCCGACCTCCCATGGCAATTTTTGAGTTGTTGGATTACATAGTCAACGAGGT-3'
Protein context (NP_002746.1, residues 291-311): RTPGRPLSSY[Gly301Glu]MDSRPPMAIF

ClinVar aggregate classification (germline): Uncertain significance (1 of 4 stars; one submission).

Conditions:
RASopathy. Also called: Noonan spectrum disorder; rasopathies. Identifiers: Orphanet 536391, MedGen C5555857, MONDO:0021060.

Submission:

Labcorp Genetics (formerly Invitae), Labcorp
Classification: Uncertain significance for RASopathy. Last evaluated: 2025-01-31. Review status: criteria provided, single submitter. Criteria: Invitae Variant Classification Sherloc (09022015). Collection method: clinical testing. Allele origin: germline.
Comment: This sequence change replaces glycine, which is neutral and non-polar, with glutamic acid, which is acidic and polar, at codon 301 of the MAP2K1 protein (p.Gly301Glu). This variant is not present in population databases (gnomAD no frequency). This variant has not been reported in the literature in individuals affected with MAP2K1-related conditions. Invitae Evidence Modeling of protein sequence and biophysical properties (such as structural, functional, and spatial information, amino acid conservation, physicochemical variation, residue mobility, and thermodynamic stability) has been performed for this missense variant. However, the output from this modeling did not meet the statistical confidence thresholds required to predict the impact of this variant on MAP2K1 protein function. In summary, the available evidence is currently insufficient to determine the role of this variant in disease. Therefore, it has been classified as a Variant of Uncertain Significance.